The following is an entry in ClinVar:

ClinVar aggregate classification (germline): Likely benign. Review status: criteria provided, multiple submitters, no conflicts (2 of 4 stars). 3 submissions from 3 submitters: Likely benign (2). 1 of the submissions does not count toward it. Last evaluated 2026-07-01.

Conditions:
ZFHX3-related disorder. Also called: ZFHX3-related condition.

Allele frequency attached by ClinVar (database versions not stated): 1000 Genomes Project 0.00020; gnomAD exomes 0.00029; ESP Exome Variant Server 0.00015; 1000 Genomes Project 30x 0.00016; ExAC 0.00017; gnomAD 0.00028; TOPMed 0.00021.
gnomAD v4.1: 451 of 1,614,224 alleles (0.028%); highest among the groups gnomAD compares: Non-Finnish European, 0.034%; no homozygotes.

Submissions (3):

Ambry Genetics
Classification: Likely benign. Last evaluated: 2026-07-01. Review status: criteria provided, single submitter. Criteria: Ambry Variant Classification Scheme 2023. Collection method: clinical testing. Allele origin: germline.

Blueprint Genetics
Classification: Likely benign. Last evaluated: 2024-08-19. Review status: criteria provided, single submitter. Criteria: ACMG Guidelines, 2015. Collection method: clinical testing. Allele origin: germline.

PreventionGenetics, part of Exact Sciences
Classification: Likely benign for ZFHX3-related condition. Last evaluated: 2019-07-19. Review status: no assertion criteria provided. Collection method: clinical testing. Allele origin: germline. Not counted in ClinVar's aggregate classification.
Comment: This variant is classified as likely benign based on ACMG/AMP sequence variant interpretation guidelines (Richards et al. 2015 PMID: 25741868, with internal and published modifications).

NM_006885.4(ZFHX3):c.969C>T (p.Ser323=)

Gene: ZFHX3 (zinc finger homeobox 3; minus strand). Cytogenetic location: 16q22.3.
Variant type: single nucleotide variant.
Coding change: c.969C>T on transcript NM_006885.4 (MANE Select); coding-DNA position 969, C replaced by T.
Protein change: p.Ser323=; no amino-acid change (serine 323 retained).
Molecular consequence: synonymous variant. On other transcripts: intron variant (1).
Genome position (GRCh38, 1-based): chr16:72,959,177, G>A on the plus strand (C>T on the coding strand, the complement: ZFHX3 is on the minus strand). VCF-style: chr16-72959177-G-A. GRCh37 (hg19) VCF-style: chr16-72993076-G-A.
Other names: c.969C>T, p.Ser323= (NM_001386735.1); c.-23-8212C>T (NM_001164766.2).
Identifiers: ClinVar variation 3037292 (VCV003037292.4), dbSNP rs148015098, ClinGen allele CA8164865.